The following is an entry in ClinVar:

ClinVar aggregate classification (germline): Uncertain significance (1 of 4 stars; one submission).

gnomAD v4.1: 1 of 1,580,162 alleles (0.000063%); highest among the groups gnomAD compares: South Asian, 0.0012%; no homozygotes.

Submission:

Labcorp Genetics (formerly Invitae), Labcorp
Classification: Uncertain significance. Last evaluated: 2025-06-02. Review status: criteria provided, single submitter. Criteria: Invitae Variant Classification Sherloc (09022015). Collection method: clinical testing. Allele origin: germline.
Comment: This sequence change replaces serine, which is neutral and polar, with arginine, which is basic and polar, at codon 494 of the RTTN protein (p.Ser494Arg). This variant is not present in population databases (gnomAD no frequency). This variant has not been reported in the literature in individuals affected with RTTN-related conditions. ClinVar contains an entry for this variant (Variation ID: 1381843). Invitae Evidence Modeling of protein sequence and biophysical properties (such as structural, functional, and spatial information, amino acid conservation, physicochemical variation, residue mobility, and thermodynamic stability) indicates that this missense variant is not expected to disrupt RTTN protein function with a negative predictive value of 80%. In summary, the available evidence is currently insufficient to determine the role of this variant in disease. Therefore, it has been classified as a Variant of Uncertain Significance.

NM_173630.4(RTTN):c.1482C>G (p.Ser494Arg)

Gene: RTTN (rotatin; minus strand). Cytogenetic location: 18q22.2.
Variant type: single nucleotide variant.
Coding change: c.1482C>G on transcript NM_173630.4 (MANE Select); coding-DNA position 1482, C replaced by G.
Protein change: p.Ser494Arg; replaces serine 494 with arginine.
Molecular consequence: missense variant. On other transcripts: intron variant (1).
Genome position (GRCh38, 1-based): chr18:70,169,062, G>C on the plus strand (C>G on the coding strand, the complement: RTTN is on the minus strand). VCF-style: chr18-70169062-G-C. GRCh37 (hg19) VCF-style: chr18-67836298-G-C.
Other names: c.-1077-89C>G (NM_001318520.2); short protein forms S494R.
Identifiers: ClinVar variation 1381843 (VCV001381843.6), dbSNP rs373681156, ClinGen allele CA402698285.
Genomic context (GRCh38, chr18:70,169,062, plus strand): 5'-AATAGGCATGTCCAAAGAAAGGAGAAATAATGCTGTTGACATAGGCTCTGATAAAAACTC[G>C]CTTGCCTTGGTGAATTAAAAAAACAAAAAAATTAAAACTTTGTTTAAAAAAAACTTATTT-3'
Protein context (NP_775901.3, residues 484-504): LQTLLPVEKA[Ser494Arg]EFLSEPMSTA